The following is an entry in ClinVar:

ClinVar aggregate classification (germline): Pathogenic (1 of 4 stars; one submission).

Conditions:
Woodhouse-Sakati syndrome. Also called: Hypogonadism, Alopecia, Diabetes Mellitus, Mental Retardation, and Extrapyramidal Syndrome; Hypogonadism, diabetes mellitus, alopecia, mental retardation and electrocardiographic abnormalities; EXTRAPYRAMIDAL DISORDER, PROGRESSIVE, WITH PRIMARY HYPOGONADISM, MENTAL RETARDATION, AND ALOPECIA. Identifiers: Orphanet 3464, MedGen C0342286, MONDO:0009419, OMIM 241080.

Allele frequency attached by ClinVar (database versions not stated): gnomAD exomes below 0.00001; TOPMed below 0.00001; gnomAD 0.00001.
gnomAD v4.1: 3 of 1,610,148 alleles (0.00019%); highest among the groups gnomAD compares: Admixed American, 0.0017%; no homozygotes.

Submission:

Labcorp Genetics (formerly Invitae), Labcorp
Classification: Pathogenic for Woodhouse-Sakati syndrome. Last evaluated: 2020-09-15. Review status: criteria provided, single submitter. Criteria: Invitae Variant Classification Sherloc (09022015). Collection method: clinical testing. Allele origin: germline.
Comment: For these reasons, this variant has been classified as Pathogenic. Donor and acceptor splice site variants typically lead to a loss of protein function (PMID: 16199547), and loss-of-function variants in DCAF17 are known to be pathogenic (PMID: 19026396, 20507343). Algorithms developed to predict the effect of sequence changes on RNA splicing suggest that this variant may disrupt the consensus splice site, but this prediction has not been confirmed by published transcriptional studies. This variant has been observed in individual(s) with Woodhouse–Sakati syndrome (PMID: 31347785, Invitae). This variant is not present in population databases (ExAC no frequency). This sequence change affects a donor splice site in intron 10 of the DCAF17 gene. It is expected to disrupt RNA splicing and likely results in an absent or disrupted protein product.

Literature cited by the submitters: PubMed 16199547; PubMed 19026396; PubMed 20507343; PubMed 31347785.

NM_025000.4(DCAF17):c.1091+2T>C

Gene: DCAF17 (DDB1 and CUL4 associated factor 17; plus strand). Cytogenetic location: 2q31.1.
Variant type: single nucleotide variant.
Coding change: c.1091+2T>C on transcript NM_025000.4 (MANE Select); the canonical splice donor site of the intron after coding-DNA position 1091, T replaced by C.
Molecular consequence: splice donor variant. On other transcripts: intron variant (1).
Genome position (GRCh38, 1-based): chr2:171,473,977, T>C. VCF-style: chr2-171473977-T-C. GRCh37 (hg19) VCF-style: chr2-172330487-T-C.
Other names: c.982-4010T>C (NM_001164821.2).
Identifiers: ClinVar variation 1069883 (VCV001069883.9), dbSNP rs1235902967, ClinGen allele CA349278952.